The following is an entry in ClinVar:

ClinVar aggregate classification (germline): Uncertain significance. Review status: criteria provided, multiple submitters, no conflicts (2 of 4 stars). 2 submissions from 2 submitters: Uncertain significance (2). Last evaluated 2025-10-01.

Allele frequency attached by ClinVar (database versions not stated): gnomAD 0.00001.

Submissions (2):

Labcorp Genetics (formerly Invitae), Labcorp
Classification: Uncertain significance. Last evaluated: 2025-10-01. Review status: criteria provided, single submitter. Criteria: Invitae Variant Classification Sherloc (09022015). Collection method: clinical testing. Allele origin: germline.
Comment: This sequence change replaces glycine, which is neutral and non-polar, with serine, which is neutral and polar, at codon 27 of the CYC1 protein (p.Gly27Ser). This variant is not present in population databases (gnomAD no frequency). This variant has not been reported in the literature in individuals affected with CYC1-related conditions. ClinVar contains an entry for this variant (Variation ID: 2258285). An algorithm developed to predict the effect of missense changes on protein structure and function outputs the following: PolyPhen-2: "Possibly Damaging". The serine amino acid residue is found in multiple mammalian species, which suggests that this missense change does not adversely affect protein function. In summary, the available evidence is currently insufficient to determine the role of this variant in disease. Therefore, it has been classified as a Variant of Uncertain Significance.

Ambry Genetics
Classification: Uncertain significance. Last evaluated: 2025-08-24. Review status: criteria provided, single submitter. Criteria: Ambry Variant Classification Scheme 2023. Collection method: clinical testing. Allele origin: germline.

NM_001916.5(CYC1):c.79G>A (p.Gly27Ser)

Gene: CYC1 (cytochrome c1; plus strand). Cytogenetic location: 8q24.3.
Variant type: single nucleotide variant.
Coding change: c.79G>A on transcript NM_001916.5 (MANE Select); coding-DNA position 79, G replaced by A.
Protein change: p.Gly27Ser; replaces glycine 27 with serine.
Molecular consequence: missense variant.
Genome position (GRCh38, 1-based): chr8:144,095,178, G>A. VCF-style: chr8-144095178-G-A. GRCh37 (hg19) VCF-style: chr8-145150081-G-A.
Other names: short protein forms G27S.
Identifiers: ClinVar variation 2258285 (VCV002258285.6), dbSNP rs1373121798, ClinGen allele CA372517754.